The following is an entry in ClinVar:

ClinVar aggregate classification (germline): Uncertain significance. Review status: criteria provided, multiple submitters, no conflicts (2 of 4 stars). 5 submissions from 4 submitters: Uncertain significance (4). 1 of the submissions does not count toward it. Last evaluated 2024-05-06.

Conditions:
Usher syndrome type 2A. Also called: RETINAL DISEASE IN USHER SYNDROME TYPE IIA, MODIFIER OF; USHER SYNDROME, TYPE IIA. Identifiers: Orphanet 231178, Orphanet 886, MedGen C1848634, MONDO:0010169, OMIM 276901.
Retinitis pigmentosa 39 (RP39). Identifiers: Orphanet 791, MedGen C3151138, MONDO:0013436, OMIM 613809.

Allele frequency attached by ClinVar (database versions not stated): gnomAD exomes below 0.00001.
gnomAD v4.1: 1 of 1,613,680 alleles (0.000062%); highest among the groups gnomAD compares: Non-Finnish European, 0.000085%; no homozygotes.

Submissions (5):

Labcorp Genetics (formerly Invitae), Labcorp
Classification: Uncertain significance. Last evaluated: 2024-05-06. Review status: criteria provided, single submitter. Criteria: Invitae Variant Classification Sherloc (09022015). Collection method: clinical testing. Allele origin: germline.
Comment: This sequence change replaces glutamine, which is neutral and polar, with arginine, which is basic and polar, at codon 381 of the USH2A protein (p.Gln381Arg). This variant is not present in population databases (gnomAD no frequency). This missense change has been observed in individuals with inherited retinal dystrophy and/or retinitis pigmentosa (PMID: 24938718; Invitae). ClinVar contains an entry for this variant (Variation ID: 558605). An algorithm developed to predict the effect of missense changes on protein structure and function (PolyPhen-2) suggests that this variant is likely to be disruptive. Algorithms developed to predict the effect of sequence changes on RNA splicing suggest that this variant may disrupt the consensus splice site. In summary, the available evidence is currently insufficient to determine the role of this variant in disease. Therefore, it has been classified as a Variant of Uncertain Significance.

Genome-Nilou Lab
Classification: Uncertain significance for Retinitis pigmentosa 39. Last evaluated: 2023-11-04. Review status: criteria provided, single submitter. Criteria: ACMG Guidelines, 2015. Collection method: clinical testing. Allele origin: germline. Affected: no.

Genome-Nilou Lab
Classification: Uncertain significance for Usher syndrome type 2A. Last evaluated: 2023-11-04. Review status: criteria provided, single submitter. Criteria: ACMG Guidelines, 2015. Collection method: clinical testing. Allele origin: germline. Affected: no.

Blueprint Genetics
Classification: Uncertain significance. Last evaluated: 2023-10-27. Review status: criteria provided, single submitter. Criteria: ACMG Guidelines, 2015. Collection method: clinical testing. Allele origin: germline.

Counsyl
Classification: Uncertain significance for Usher syndrome type 2A; Retinitis pigmentosa 39. Last evaluated: 2018-05-31. Review status: no assertion criteria provided. Collection method: clinical testing. Allele origin: unknown. Not counted in ClinVar's aggregate classification.

Literature cited by the submitters: PubMed 24938718 (cited by Labcorp Genetics (formerly Invitae), Labcorp and Counsyl).

NM_206933.4(USH2A):c.1142A>G (p.Gln381Arg)

Gene: USH2A (usherin; minus strand). Cytogenetic location: 1q41.
Variant type: single nucleotide variant.
Coding change: c.1142A>G on transcript NM_206933.4 (MANE Select); coding-DNA position 1142, A replaced by G.
Protein change: p.Gln381Arg; replaces glutamine 381 with arginine.
Molecular consequence: missense variant.
Genome position (GRCh38, 1-based): chr1:216,325,306, T>C on the plus strand (A>G on the coding strand, the complement: USH2A is on the minus strand). VCF-style: chr1-216325306-T-C. GRCh37 (hg19) VCF-style: chr1-216498648-T-C.
Other names: c.1142A>G, p.Gln381Arg (NM_007123.6); short protein forms Q381R.
Identifiers: ClinVar variation 558605 (VCV000558605.11), dbSNP rs1553250774, ClinGen allele CA344912160.
Genomic context (GRCh38, chr1:216,325,306, plus strand): 5'-GTGGGCATTTGTTGCAATAACCACAGGAAATTAATGTACACCTTATCGTTTCTCATTACC[T>C]GATACTGTCCATTTTCCAAATCAACTGAAATAGTCACTCCTTGATTAAGCTGTGTAATGT-3'
Protein context (NP_996816.3, residues 371-391): ISVDLENGQY[Gln381Arg]VFYIIIQFFS